The following is an entry in ClinVar:

ClinVar aggregate classification (germline): Uncertain significance. Review status: criteria provided, multiple submitters, no conflicts (2 of 4 stars). 3 submissions from 3 submitters: Uncertain significance (3). Last evaluated 2025-10-15.

Conditions:
Inborn genetic diseases. Identifiers: MedGen C0950123, MeSH D030342.
Kufor-Rakeb syndrome (KRS). Also called: PARKINSON DISEASE 9, AUTOSOMAL RECESSIVE, JUVENILE-ONSET. Identifiers: Orphanet 306674, Orphanet 314632, MedGen C1847640, MONDO:0011706, OMIM 606693.
Autosomal recessive spastic paraplegia type 78. Identifiers: Orphanet 513436, MedGen C5567893, MONDO:0014975, OMIM 617225.

Allele frequency attached by ClinVar (database versions not stated): gnomAD 0.00002; TOPMed 0.00002; gnomAD exomes 0.00003; ExAC 0.00005.
gnomAD v4.1: 46 of 1,593,836 alleles (0.0029%); highest among the groups gnomAD compares: Non-Finnish European, 0.0038%; no homozygotes.

Submissions (3):

Mayo Clinic Laboratories, Mayo Clinic
Classification: Uncertain significance. Last evaluated: 2025-10-15. Review status: criteria provided, single submitter. Criteria: ACMG Guidelines, 2015. Collection method: clinical testing. Allele origin: germline. Observed: 1 variant allele.
Comment: BP4

Labcorp Genetics (formerly Invitae), Labcorp
Classification: Uncertain significance for Kufor-Rakeb syndrome; Autosomal recessive spastic paraplegia type 78. Last evaluated: 2022-02-04. Review status: criteria provided, single submitter. Criteria: Invitae Variant Classification Sherloc (09022015). Collection method: clinical testing. Allele origin: germline.
Comment: This sequence change replaces alanine, which is neutral and non-polar, with valine, which is neutral and non-polar, at codon 556 of the ATP13A2 protein (p.Ala556Val). This variant is present in population databases (rs760021599, gnomAD 0.007%). This variant has not been reported in the literature in individuals affected with ATP13A2-related conditions. ClinVar contains an entry for this variant (Variation ID: 588607). Advanced modeling of protein sequence and biophysical properties (such as structural, functional, and spatial information, amino acid conservation, physicochemical variation, residue mobility, and thermodynamic stability) performed at Invitae indicates that this missense variant is not expected to disrupt ATP13A2 protein function. In summary, the available evidence is currently insufficient to determine the role of this variant in disease. Therefore, it has been classified as a Variant of Uncertain Significance.

Ambry Genetics
Classification: Uncertain significance for Inborn genetic diseases. Last evaluated: 2018-01-18. Review status: criteria provided, single submitter. Criteria: Ambry Variant Classification Scheme 2023. Collection method: clinical testing. Allele origin: germline.
Comment: The p.A556V variant (also known as c.1667C>T), located in coding exon 16 of the ATP13A2 gene, results from a C to T substitution at nucleotide position 1667. The alanine at codon 556 is replaced by valine, an amino acid with similar properties. This amino acid position is well conserved in available vertebrate species. In addition, this alteration is predicted to be tolerated by in silico analysis. Since supporting evidence is limited at this time, the clinical significance of this alteration remains unclear.

NM_022089.4(ATP13A2):c.1667C>T (p.Ala556Val)

Gene: ATP13A2 (ATPase cation transporting 13A2; minus strand). Cytogenetic location: 1p36.13.
Variant type: single nucleotide variant.
Coding change: c.1667C>T on transcript NM_022089.4 (MANE Select); coding-DNA position 1667, C replaced by T.
Protein change: p.Ala556Val; replaces alanine 556 with valine.
Molecular consequence: missense variant.
Genome position (GRCh38, 1-based): chr1:16,993,711, G>A on the plus strand (C>T on the coding strand, the complement: ATP13A2 is on the minus strand). VCF-style: chr1-16993711-G-A. GRCh37 (hg19) VCF-style: chr1-17320206-G-A.
Other names: p.Ala556Val; c.1652C>T, p.Ala551Val (NM_001141973.3, NM_001141974.3); short protein forms A556V, A551V.
Identifiers: ClinVar variation 588607 (VCV000588607.11), dbSNP rs760021599, ClinGen allele CA637128.